The following is an entry in ClinVar:

NM_006269.2(RP1):c.4943C>T (p.Pro1648Leu)

Genes: RP1 (RP1 axonemal microtubule associated; plus strand), LOC126860392 (CDK7 strongly-dependent group 2 enhancer GRCh37_chr8:55541319-55542518; plus strand). Cytogenetic location: 8q12.1.
Variant type: single nucleotide variant.
Coding change: c.4943C>T on transcript NM_006269.2 (MANE Select); coding-DNA position 4943, C replaced by T.
Protein change: p.Pro1648Leu; replaces proline 1648 with leucine.
Molecular consequence: missense variant. On other transcripts: intron variant (1).
Genome position (GRCh38, 1-based): chr8:54,628,825, C>T. VCF-style: chr8-54628825-C-T. GRCh37 (hg19) VCF-style: chr8-55541385-C-T.
Other names: c.787+6537C>T (NM_001375654.1); short protein forms P1648L.
Identifiers: ClinVar variation 2113212 (VCV002113212.4), dbSNP rs759737695, ClinGen allele CA4751974.

ClinVar aggregate classification (germline): Uncertain significance (1 of 4 stars; one submission).

Allele frequency attached by ClinVar (database versions not stated): gnomAD exomes below 0.00001; ExAC 0.00001; gnomAD 0.00001; TOPMed 0.00001.
gnomAD v4.1: 3 of 1,613,852 alleles (0.00019%); highest among the groups gnomAD compares: African/African-American, 0.0027%; no homozygotes.

Submission:

Labcorp Genetics (formerly Invitae), Labcorp
Classification: Uncertain significance. Last evaluated: 2023-08-11. Review status: criteria provided, single submitter. Criteria: Invitae Variant Classification Sherloc (09022015). Collection method: clinical testing. Allele origin: germline.
Comment: In summary, the available evidence is currently insufficient to determine the role of this variant in disease. Therefore, it has been classified as a Variant of Uncertain Significance. Algorithms developed to predict the effect of missense changes on protein structure and function output the following: SIFT: "Not Available"; PolyPhen-2: "Benign"; Align-GVGD: "Not Available". The leucine amino acid residue is found in multiple mammalian species, which suggests that this missense change does not adversely affect protein function. ClinVar contains an entry for this variant (Variation ID: 2113212). This variant has not been reported in the literature in individuals affected with RP1-related conditions. This variant is present in population databases (rs759737695, gnomAD 0.003%). This sequence change replaces proline, which is neutral and non-polar, with leucine, which is neutral and non-polar, at codon 1648 of the RP1 protein (p.Pro1648Leu).